The following is an entry in ClinVar:

ClinVar aggregate classification (germline): Conflicting classifications of pathogenicity. Review status: criteria provided, conflicting classifications (1 of 4 stars). 6 submissions from 6 submitters: Uncertain significance (5); Likely benign (1). Last evaluated 2026-06-10.

Conditions:
Cardiovascular phenotype. Identifiers: MedGen CN230736.
Arrhythmogenic cardiomyopathy with wooly hair and keratoderma. Also called: PALMOPLANTAR KERATODERMA WITH LEFT VENTRICULAR CARDIOMYOPATHY AND WOOLLY HAIR; Carvajal syndrome; Dilated cardiomyopathy with woolly hair and keratoderma; Arrhythmogenic cardiomyopathy with woolly hair and keratoderma. Identifiers: Orphanet 65282, MedGen C1854063, MONDO:0011581, OMIM 605676.
Arrhythmogenic right ventricular dysplasia 8 (ARVD8). Also called: Arrhythmogenic Right Ventricular Dysplasia/Cardiomyopathy 8; ARRHYTHMOGENIC RIGHT VENTRICULAR CARDIOMYOPATHY 8; ARRHYTHMOGENIC RIGHT VENTRICULAR DYSPLASIA, FAMILIAL, 8. Identifiers: MedGen C1843896, MONDO:0011831, OMIM 607450.
Cardiomyopathy (CMYO). Also called: Cardiomyopathies. Identifiers: Orphanet 167848, MedGen C0878544, MONDO:0004994, HP:0001638. Inheritance: Various modes of inheritance.
DSP-related disorder. Also called: DSP-related condition; DSP-related disorders.

Allele frequency attached by ClinVar (database versions not stated): gnomAD exomes 0.00001 and 0.00002; ExAC 0.00002; gnomAD 0.00002; TOPMed 0.00002.
gnomAD v4.1: 21 of 1,614,008 alleles (0.0013%); highest among the groups gnomAD compares: Non-Finnish European, 0.0015%; no homozygotes.

Submissions (6):

PreventionGenetics, part of Exact Sciences
Classification: Uncertain significance for DSP-related condition. Last evaluated: 2026-06-10. Review status: criteria provided, single submitter. Criteria: ACMG Guidelines, 2015. Collection method: clinical testing. Allele origin: germline.
Comment: The DSP c.3766C>T variant is predicted to result in the amino acid substitution p.Leu1256Phe. This variant has been reported in the heterozygous state in an individual with hypertrophic cardiomyopathy and palmoplantar epidermal differentiation disorders (Brandt et al. 2026. PubMed ID: 41108751). This variant is reported in 0.0070% of alleles in individuals of European (Non-Finnish) descent in gnomAD. At this time, the clinical significance of this variant is uncertain due to the absence of conclusive functional and genetic evidence.

Labcorp Genetics (formerly Invitae), Labcorp
Classification: Likely benign for Arrhythmogenic cardiomyopathy with wooly hair and keratoderma; Arrhythmogenic right ventricular dysplasia 8. Last evaluated: 2025-12-29. Review status: criteria provided, single submitter. Criteria: Invitae Variant Classification Sherloc (09022015). Collection method: clinical testing. Allele origin: germline.

All of Us Research Program, National Institutes of Health
Classification: Uncertain significance for Arrhythmogenic cardiomyopathy with wooly hair and keratoderma. Last evaluated: 2024-08-07. Review status: criteria provided, single submitter. Criteria: ACMG Guidelines, 2015. Collection method: clinical testing. Allele origin: germline. Inheritance: Autosomal dominant inheritance. Observed: 8 variant alleles, 8 heterozygotes.
Comment: This missense variant replaces leucine with phenylalanine at codon 1256 of the DSP protein. Computational prediction is inconclusive regarding the impact of this variant on protein structure and function (internally defined REVEL score threshold 0.5 < inconclusive < 0.7, PMID: 27666373). To our knowledge, functional studies have not been reported for this variant. This variant has not been reported in individuals affected with DSP-related disorders in the literature. This variant has been identified in 9/282132 chromosomes in the general population by the Genome Aggregation Database (gnomAD). The available evidence is insufficient to determine the role of this variant in disease conclusively. Therefore, this variant is classified as a Variant of Uncertain Significance.

This study involves interpretation of variants in research participants for the purpose of population health screening. Participant phenotype was not available at the time of variant classification. Additional details can be found in publication PMID: 35346344, PMCID: PMC8962531

Ambry Genetics
Classification: Uncertain significance for Cardiovascular phenotype. Last evaluated: 2024-07-15. Review status: criteria provided, single submitter. Criteria: Ambry Variant Classification Scheme 2023. Collection method: clinical testing. Allele origin: germline.
Comment: The p.L1256F variant (also known as c.3766C>T), located in coding exon 23 of the DSP gene, results from a C to T substitution at nucleotide position 3766. The leucine at codon 1256 is replaced by phenylalanine, an amino acid with highly similar properties. This amino acid position is highly conserved in available vertebrate species. In addition, the in silico prediction for this alteration is inconclusive. Based on the available evidence, the clinical significance of this variant remains unclear.

Color Diagnostics, LLC DBA Color Health
Classification: Uncertain significance for Cardiomyopathy. Last evaluated: 2024-05-03. Review status: criteria provided, single submitter. Criteria: ACMG Guidelines, 2015. Collection method: clinical testing. Allele origin: germline.
Comment: This missense variant replaces leucine with phenylalanine at codon 1256 of the DSP protein. Computational prediction is inconclusive regarding the impact of this variant on protein structure and function (internally defined REVEL score threshold 0.5 < inconclusive < 0.7, PMID: 27666373). To our knowledge, functional studies have not been reported for this variant. This variant has not been reported in individuals affected with DSP-related disorders in the literature. This variant has been identified in 9/282132 chromosomes in the general population by the Genome Aggregation Database (gnomAD). The available evidence is insufficient to determine the role of this variant in disease conclusively. Therefore, this variant is classified as a Variant of Uncertain Significance.

Blueprint Genetics
Classification: Uncertain significance. Last evaluated: 2024-02-01. Review status: criteria provided, single submitter. Criteria: ACMG Guidelines, 2015. Collection method: clinical testing. Allele origin: germline.

NM_004415.4(DSP):c.3766C>T (p.Leu1256Phe)

Gene: DSP (desmoplakin; plus strand). Cytogenetic location: 6p24.3.
Variant type: single nucleotide variant.
Coding change: c.3766C>T on transcript NM_004415.4 (MANE Select); coding-DNA position 3766, C replaced by T.
Protein change: p.Leu1256Phe; replaces leucine 1256 with phenylalanine.
Molecular consequence: missense variant. On other transcripts: intron variant (1).
Genome position (GRCh38, 1-based): chr6:7,579,956, C>T. VCF-style: chr6-7579956-C-T. GRCh37 (hg19) VCF-style: chr6-7580189-C-T.
Other names: c.3766C>T, p.Leu1256Phe (NM_001319034.2); c.3582+184C>T (NM_001008844.3); c.3766C>T (NM_004415.3); short protein forms L1256F.
Identifiers: ClinVar variation 918770 (VCV000918770.15), dbSNP rs775080202, ClinGen allele CA038972.
Genomic context (GRCh38, chr6:7,579,956, plus strand): 5'-AGAAACCAGCTTGATAGACTTTCAAGGGAAAATCGAGATCTGAAGGATGAAATTGTCAGG[C>T]TCAATGACAGCATCTTGCAGGCCACTGAGCAGCGAAGGCGAGCTGAAGAAAACGCCCTTC-3'
Protein context (NP_004406.2, residues 1246-1266): NRDLKDEIVR[Leu1256Phe]NDSILQATEQ